The following is an entry in ClinVar:

ClinVar aggregate classification (germline): Uncertain significance. Review status: criteria provided, multiple submitters, no conflicts (2 of 4 stars). 5 submissions from 5 submitters: Uncertain significance (5). Last evaluated 2026-02-27.

Conditions:
Retinitis pigmentosa 1 (RP1). Identifiers: Orphanet 791, MedGen C0220701, MONDO:0008377, OMIM 180100.
RP1-related disorder. Also called: RP1-related condition.

gnomAD v4.1: 107 of 1,613,954 alleles (0.0066%); highest among the groups gnomAD compares: Non-Finnish European, 0.0089%; no homozygotes.

Submissions (5):

Dasa
Classification: Uncertain significance. Last evaluated: 2026-02-27. Review status: criteria provided, single submitter. Criteria: DASA Assertion Criteria. Collection method: clinical testing. Allele origin: germline.
Comment: NM_006269.2(RP1):c.1510T>C (p.Ser504Pro) is a missense variant that results in the substitution of serine with proline. This variant is rare in population databases. Computational prediction algorithms are consistent with a benign effect. The currently available literature and clinical evidence are not sufficient to establish a definitive association between this variant and the reported condition. Therefore, this variant is classified as a variant of uncertain significance.

Labcorp Genetics (formerly Invitae), Labcorp
Classification: Uncertain significance. Last evaluated: 2026-01-12. Review status: criteria provided, single submitter. Criteria: Invitae Variant Classification Sherloc (09022015). Collection method: clinical testing. Allele origin: germline.
Comment: This sequence change replaces serine, which is neutral and polar, with proline, which is neutral and non-polar, at codon 504 of the RP1 protein (p.Ser504Pro). This variant is present in population databases (rs530033470, gnomAD 0.008%). This missense change has been observed in individual(s) with retinitis pigmentosa (PMID: 30902645). ClinVar contains an entry for this variant (Variation ID: 1213899). An algorithm developed to predict the effect of missense changes on protein structure and function (PolyPhen-2) suggests that this variant is likely to be disruptive. In summary, the available evidence is currently insufficient to determine the role of this variant in disease. Therefore, it has been classified as a Variant of Uncertain Significance.

PreventionGenetics, part of Exact Sciences
Classification: Uncertain significance for RP1-related condition. Last evaluated: 2025-10-17. Review status: criteria provided, single submitter. Criteria: ACMG Guidelines, 2015. Collection method: clinical testing. Allele origin: germline.
Comment: The RP1 c.1510T>C variant is predicted to result in the amino acid substitution p.Ser504Pro. This variant has been reported along with a RP1 frameshift variant in an individual with retinitis pigmentosa (Martin-Merida et al. 2019. PubMed ID: 30902645). This variant is present in 0.0085% of alleles in individuals of European (Non-Finnish) descent in gnomAD. Although we suspect that this variant may be pathogenic for autosomal recessive disease, at this time, the clinical significance of this variant is uncertain due to the absence of conclusive functional and genetic evidence.

Blueprint Genetics
Classification: Uncertain significance. Last evaluated: 2024-07-25. Review status: criteria provided, single submitter. Criteria: ACMG Guidelines, 2015. Collection method: clinical testing. Allele origin: germline.

DBGen Ocular Genomics
Classification: Uncertain significance for Retinitis pigmentosa 1. Last evaluated: 2021-06-21. Review status: criteria provided, single submitter. Criteria: ACMG Guidelines, 2015. Collection method: clinical testing. Allele origin: germline. Affected: yes. Observed: 1 variant allele.

Literature cited by the submitters: PubMed 30902645 (cited by Labcorp Genetics (formerly Invitae), Labcorp).

NM_006269.2(RP1):c.1510T>C (p.Ser504Pro)

Gene: RP1 (RP1 axonemal microtubule associated; plus strand). Cytogenetic location: 8q12.1.
Variant type: single nucleotide variant.
Coding change: c.1510T>C on transcript NM_006269.2 (MANE Select); coding-DNA position 1510, T replaced by C.
Protein change: p.Ser504Pro; replaces serine 504 with proline.
Molecular consequence: missense variant. On other transcripts: intron variant (1).
Genome position (GRCh38, 1-based): chr8:54,625,392, T>C. VCF-style: chr8-54625392-T-C. GRCh37 (hg19) VCF-style: chr8-55537952-T-C.
Other names: c.787+3104T>C (NM_001375654.1); c.1510T>C (NM_006269.1); short protein forms S504P.
Identifiers: ClinVar variation 1213899 (VCV001213899.14), dbSNP rs530033470, ClinGen allele CA4751393.